The following is an entry in ClinVar:

NM_001276270.2(MBD4):c.1647+1G>A

Gene: MBD4 (methyl-CpG binding domain 4, DNA glycosylase; minus strand). Cytogenetic location: 3q21.3.
Variant type: single nucleotide variant.
Coding change: c.1647+1G>A on transcript NM_001276270.2 (MANE Select); the canonical splice donor site of the intron after coding-DNA position 1647, G replaced by A.
Molecular consequence: splice donor variant. On other transcripts: missense variant (1), intron variant (1).
Genome position (GRCh38, 1-based): chr3:129,432,502, C>T on the plus strand (G>A on the coding strand, the complement: MBD4 is on the minus strand). VCF-style: chr3-129432502-C-T. GRCh37 (hg19) VCF-style: chr3-129151345-C-T.
Other names: c.1666G>A, p.Val556Met (NM_001276271.2); c.711+1G>A (NM_001276273.2); c.1612+54G>A (NM_001276272.2); c.1665+1G>A (NM_003925.3); short protein forms V556M.
Identifiers: ClinVar variation 3870945 (VCV003870945.1).

ClinVar aggregate classification (germline): Likely pathogenic (1 of 4 stars; one submission).

Conditions:
Inborn genetic diseases. Identifiers: MedGen C0950123, MeSH D030342.

Submission:

Ambry Genetics
Classification: Likely pathogenic for Inborn genetic diseases. Last evaluated: 2025-03-02. Review status: criteria provided, single submitter. Criteria: Ambry Variant Classification Scheme 2023. Collection method: clinical testing. Allele origin: germline.
Comment: The c.1647+1G>A intronic variant results from a G to A substitution one nucleotide after coding exon 7 of the MBD4 gene. This alteration occurs at the 3' terminus of the MBD4 gene, is not expected to trigger nonsense-mediated mRNA decay, and only impacts the last 10.4% of the protein. The exact functional effect of this alteration is unknown; however, the region predicted to be impacted is critical for protein function (Ambry internal data). This variant is considered to be rare based on population cohorts in the Genome Aggregation Database (gnomAD). This nucleotide position is highly conserved in available vertebrate species. In silico splice site analysis predicts that this alteration will weaken the native splice donor site. RNA studies have demonstrated that this alteration results in abnormal splicing in the set of samples tested (Ambry internal data). Based on the majority of available evidence to date, this variant is likely to be pathogenic.